The following is an entry in ClinVar:

NM_014679.5(CEP57):c.568G>A (p.Asp190Asn)

Gene: CEP57 (centrosomal protein 57; plus strand). Cytogenetic location: 11q21.
Variant type: single nucleotide variant.
Coding change: c.568G>A on transcript NM_014679.5 (MANE Select); coding-DNA position 568, G replaced by A.
Protein change: p.Asp190Asn; replaces aspartic acid 190 with asparagine.
Molecular consequence: missense variant.
Genome position (GRCh38, 1-based): chr11:95,817,850, G>A. VCF-style: chr11-95817850-G-A. GRCh37 (hg19) VCF-style: chr11-95551014-G-A.
Other names: c.568G>A (NM_014679.4); c.541G>A, p.Asp181Asn (NM_001243776.2); c.568G>A, p.Asp190Asn (NM_001243777.2); c.487G>A, p.Asp163Asn (NM_001363604.2); short protein forms D163N, D181N, D190N.
Identifiers: ClinVar variation 2709051 (VCV002709051.4), dbSNP rs2496255408, ClinGen allele CA382422922.

ClinVar aggregate classification (germline): Uncertain significance. Review status: criteria provided, multiple submitters, no conflicts (2 of 4 stars). 2 submissions from 2 submitters: Uncertain significance (2). Last evaluated 2025-10-05.

Conditions:
Mosaic variegated aneuploidy syndrome 2 (MVA2). Identifiers: Orphanet 1052, MedGen C3279843, MONDO:0013582, OMIM 614114.
Inborn genetic diseases. Identifiers: MedGen C0950123, MeSH D030342.

Submissions (2):

Ambry Genetics
Classification: Uncertain significance for Inborn genetic diseases. Last evaluated: 2025-10-05. Review status: criteria provided, single submitter. Criteria: Ambry Variant Classification Scheme 2023. Collection method: clinical testing. Allele origin: germline.
Comment: The p.D190N variant (also known as c.568G>A), located in coding exon 5 of the CEP57 gene, results from a G to A substitution at nucleotide position 568. The aspartic acid at codon 190 is replaced by asparagine, an amino acid with highly similar properties. This amino acid position is conserved. In addition, this alteration is predicted to be tolerated by in silico analysis. Based on the available evidence, the clinical significance of this variant remains unclear.

Labcorp Genetics (formerly Invitae), Labcorp
Classification: Uncertain significance for Mosaic variegated aneuploidy syndrome 2. Last evaluated: 2023-12-29. Review status: criteria provided, single submitter. Criteria: Invitae Variant Classification Sherloc (09022015). Collection method: clinical testing. Allele origin: germline.
Comment: This sequence change replaces aspartic acid, which is acidic and polar, with asparagine, which is neutral and polar, at codon 190 of the CEP57 protein (p.Asp190Asn). This variant is not present in population databases (gnomAD no frequency). This variant has not been reported in the literature in individuals affected with CEP57-related conditions. Advanced modeling of protein sequence and biophysical properties (such as structural, functional, and spatial information, amino acid conservation, physicochemical variation, residue mobility, and thermodynamic stability) performed at Invitae indicates that this missense variant is not expected to disrupt CEP57 protein function with a negative predictive value of 80%. In summary, the available evidence is currently insufficient to determine the role of this variant in disease. Therefore, it has been classified as a Variant of Uncertain Significance.